The following is an entry in ClinVar:

NM_002739.5(PRKCG):c.638G>A (p.Arg213Gln)

Gene: PRKCG (protein kinase C gamma; plus strand). Cytogenetic location: 19q13.42.
Variant type: single nucleotide variant.
Coding change: c.638G>A on transcript NM_002739.5 (MANE Select); coding-DNA position 638, G replaced by A.
Protein change: p.Arg213Gln; replaces arginine 213 with glutamine.
Molecular consequence: missense variant.
Genome position (GRCh38, 1-based): chr19:53,891,782, G>A. VCF-style: chr19-53891782-G-A. GRCh37 (hg19) VCF-style: chr19-54395036-G-A.
Other names: c.638G>A (LRG_669t1); c.638G>A, p.Arg213Gln (NM_001316329.2); short protein forms R213Q.
Identifiers: ClinVar variation 586454 (VCV000586454.9), dbSNP rs115832790, ClinGen allele CA9640350.

ClinVar aggregate classification (germline): Benign/Likely benign. Review status: criteria provided, multiple submitters, no conflicts (2 of 4 stars). 2 submissions from 2 submitters: Benign (1); Likely benign (1). Last evaluated 2025-03-01.

Allele frequency attached by ClinVar (database versions not stated): TOPMed 0.00020; ESP Exome Variant Server 0.00023; gnomAD exomes 0.00029 and 0.00049; 1000 Genomes Project 30x 0.00047; ExAC 0.00049; gnomAD 0.00055 and 0.00056; 1000 Genomes Project 0.00060.
gnomAD v4.1: 501 of 1,614,078 alleles (0.031%); highest among the groups gnomAD compares: Non-Finnish European, 0.024%; 3 homozygotes.

Submissions (2):

CeGaT Center for Human Genetics Tuebingen
Classification: Likely benign. Last evaluated: 2025-03-01. Review status: criteria provided, single submitter. Criteria: CeGaT Center For Human Genetics Tuebingen Variant Classification Criteria Version 2. Collection method: clinical testing. Allele origin: germline. Affected: yes. Observed: 1 variant allele.
Comment: PRKCG: BP4, BS1

Athena Diagnostics
Classification: Benign. Last evaluated: 2018-08-22. Review status: criteria provided, single submitter. Criteria: Athena Diagnostics Criteria. Collection method: clinical testing. Allele origin: germline.